The following is an entry in ClinVar:

ClinVar aggregate classification (germline): Uncertain significance (1 of 4 stars; one submission).

Conditions:
Holoprosencephaly sequence (HPE). Also called: Holoprosencephaly. Identifiers: Orphanet 2162, MedGen C0079541, MONDO:0016296, HP:0001360.

Allele frequency attached by ClinVar (database versions not stated): TOPMed 0.00001; gnomAD 0.00002; gnomAD exomes 0.00002; ExAC 0.00003.

Submission:

Labcorp Genetics (formerly Invitae), Labcorp
Classification: Uncertain significance for Holoprosencephaly sequence. Last evaluated: 2023-02-05. Review status: criteria provided, single submitter. Criteria: Invitae Variant Classification Sherloc (09022015). Collection method: clinical testing. Allele origin: germline.
Comment: In summary, the available evidence is currently insufficient to determine the role of this variant in disease. Therefore, it has been classified as a Variant of Uncertain Significance. Advanced modeling of protein sequence and biophysical properties (such as structural, functional, and spatial information, amino acid conservation, physicochemical variation, residue mobility, and thermodynamic stability) performed at Invitae indicates that this missense variant is not expected to disrupt FOXH1 protein function. This variant has not been reported in the literature in individuals affected with FOXH1-related conditions. This variant is present in population databases (rs759544271, gnomAD 0.006%). This sequence change replaces valine, which is neutral and non-polar, with isoleucine, which is neutral and non-polar, at codon 290 of the FOXH1 protein (p.Val290Ile).

NM_003923.3(FOXH1):c.868G>A (p.Val290Ile)

Gene: FOXH1 (forkhead box H1; minus strand). Cytogenetic location: 8q24.3.
Variant type: single nucleotide variant.
Coding change: c.868G>A on transcript NM_003923.3 (MANE Select); coding-DNA position 868, G replaced by A.
Protein change: p.Val290Ile; replaces valine 290 with isoleucine.
Molecular consequence: missense variant.
Genome position (GRCh38, 1-based): chr8:144,474,468, C>T on the plus strand (G>A on the coding strand, the complement: FOXH1 is on the minus strand). VCF-style: chr8-144474468-C-T. GRCh37 (hg19) VCF-style: chr8-145699851-C-T.
Other names: short protein forms V290I.
Identifiers: ClinVar variation 1983140 (VCV001983140.4), dbSNP rs759544271, ClinGen allele CA4945416.